The following is an entry in ClinVar:

NM_032119.4(ADGRV1):c.2553+209G>A

Gene: ADGRV1 (adhesion G protein-coupled receptor V1; plus strand). Cytogenetic location: 5q14.3.
Variant type: single nucleotide variant.
Coding change: c.2553+209G>A on transcript NM_032119.4 (MANE Select); 209 bases into the intron after coding-DNA position 2553, G replaced by A.
Molecular consequence: intron variant.
Genome position (GRCh38, 1-based): chr5:90,643,250, G>A. VCF-style: chr5-90643250-G-A. GRCh37 (hg19) VCF-style: chr5-89939067-G-A.
Identifiers: ClinVar variation 678787 (VCV000678787.1), dbSNP rs2366774, ClinGen allele CA121834513.

ClinVar aggregate classification (germline): Benign (1 of 4 stars; one submission).

Allele frequency attached by ClinVar (database versions not stated): gnomAD 0.76152 and 0.76263; TOPMed 0.77836; 1000 Genomes Project 30x 0.81949; 1000 Genomes Project 0.82109.
gnomAD v4.1: 115,703 of 151,978 alleles (76%); highest among the groups gnomAD compares: African/African-American, 92%; 44,981 homozygotes.

Submission:

GeneDx
Classification: Benign. Last evaluated: 2018-06-14. Review status: criteria provided, single submitter. Criteria: GeneDx Variant Classification (06012015). Collection method: clinical testing. Allele origin: germline. Affected: yes.
Comment: This variant is considered likely benign or benign based on one or more of the following criteria: it is a conservative change, it occurs at a poorly conserved position in the protein, it is predicted to be benign by multiple in silico algorithms, and/or has population frequency not consistent with disease.